The following is an entry in ClinVar:

NM_006767.4(LZTR1):c.994-2A>G

Gene: LZTR1 (leucine zipper like post translational regulator 1; plus strand). Cytogenetic location: 22q11.21.
Variant type: single nucleotide variant.
Coding change: c.994-2A>G on transcript NM_006767.4 (MANE Select); the canonical splice acceptor site of the intron before coding-DNA position 994, A replaced by G.
Molecular consequence: splice acceptor variant.
Genome position (GRCh38, 1-based): chr22:20,992,212, A>G. VCF-style: chr22-20992212-A-G. GRCh37 (hg19) VCF-style: chr22-21346501-A-G.
Identifiers: ClinVar variation 1768686 (VCV001768686.3), dbSNP rs752600682, ClinGen allele CA10118691.

ClinVar aggregate classification (germline): Likely pathogenic (1 of 4 stars; one submission).

Conditions:
Cardiovascular phenotype. Identifiers: MedGen CN230736.
Hereditary cancer-predisposing syndrome. Also called: Hereditary Cancer Syndrome; Hereditary neoplastic syndrome; Neoplastic Syndromes, Hereditary; Tumor predisposition. Identifiers: Orphanet 140162, MedGen C0027672, MeSH D009386, MONDO:0015356.

Allele frequency attached by ClinVar (database versions not stated): ExAC 0.00001.
gnomAD v4.1: 2 of 1,612,656 alleles (0.00012%); highest among the groups gnomAD compares: Admixed American, 0.0017%; no homozygotes.

Submission:

Ambry Genetics
Classification: Likely pathogenic for Cardiovascular phenotype; Hereditary cancer-predisposing syndrome. Last evaluated: 2022-04-20. Review status: criteria provided, single submitter. Criteria: Ambry Variant Classification Scheme 2023. Collection method: clinical testing. Allele origin: germline.
Comment: The c.994-2A>G intronic variant results from an A to G substitution two nucleotides upstream from coding exon 10 in the LZTR1 gene. This nucleotide position is highly conserved in available vertebrate species. In silico splice site analysis predicts that this alteration will weaken the native splice acceptor site and will result in the creation or strengthening of a novel splice acceptor site. RNA studies have demonstrated that this alteration results in abnormal splicing in the set of samples tested (Ambry internal data). Other alterations impacting the same native acceptor site (c.994-1G>C and c.994-1G>T) have been shown to have a similar impact on splicing (Ambry internal data). Furthermore, alterations that disrupt the canonical splice site are expected to cause aberrant splicing, resulting in an abnormal protein or a transcript that is subject to nonsense-mediated mRNA decay. Loss-of-function variants in LZTR1 are related to an increased risk for schwannomas and autosomal recessive Noonan syndrome; however, such associations with autosomal dominant Noonan syndrome have not been observed (Piotrowski A et al. Nat Genet. 2014 Feb;46:182-7; Yamamoto GL et al. J Med Genet. 2015 Jun;52:413-21; Johnston JJ et al. Genet Med. 2018 10;20:1175-1185). Based on the supporting evidence, this variant is likely pathogenic for an increased risk of LZTR1-related schwannomatosis (SWN) and would be expected to cause autosomal recessive Noonan syndrome when present along with a second pathogenic or likely pathogenic variant on the other allele; however, the association of this alteration with autosomal dominant Noonan syndrome is unlikely.